The following is an entry in ClinVar:

NM_000088.4(COL1A1):c.662G>A (p.Gly221Asp)

Gene: COL1A1 (collagen type I alpha 1 chain; minus strand). Cytogenetic location: 17q21.33.
Variant type: single nucleotide variant.
Coding change: c.662G>A on transcript NM_000088.4 (MANE Select); coding-DNA position 662, G replaced by A.
Protein change: p.Gly221Asp; replaces glycine 221 with aspartic acid.
Molecular consequence: missense variant.
Genome position (GRCh38, 1-based): chr17:50,197,766, C>T on the plus strand (G>A on the coding strand, the complement: COL1A1 is on the minus strand). VCF-style: chr17-50197766-C-T. GRCh37 (hg19) VCF-style: chr17-48275127-C-T.
Other names: short protein forms G221D.
Identifiers: ClinVar variation 2439282 (VCV002439282.4), dbSNP rs2509245316, ClinGen allele CA400224736.

ClinVar aggregate classification (germline): Pathogenic/Likely pathogenic. Review status: criteria provided, multiple submitters, no conflicts (2 of 4 stars). 2 submissions from 2 submitters: Pathogenic (1); Likely pathogenic (1). Last evaluated 2025-07-09.

Conditions:
Osteogenesis imperfecta type I (OI1). Also called: OI, TYPE I; OSTEOGENESIS IMPERFECTA TARDA; OSTEOGENESIS IMPERFECTA WITH BLUE SCLERAE; Lobstein disease; Osteogenesis imperfecta type 1; Lobstein's Disease. Identifiers: Orphanet 216796, Orphanet 666, MedGen C0023931, MONDO:0008146, OMIM 166200. Disease mechanism: loss of function.

Submissions (2):

Labcorp Genetics (formerly Invitae), Labcorp
Classification: Pathogenic for Osteogenesis imperfecta type I. Last evaluated: 2025-07-09. Review status: criteria provided, single submitter. Criteria: Invitae Variant Classification Sherloc (09022015). Collection method: clinical testing. Allele origin: germline.
Comment: This sequence change replaces glycine, which is neutral and non-polar, with aspartic acid, which is acidic and polar, at codon 221 of the COL1A1 protein (p.Gly221Asp). This variant is not present in population databases (gnomAD no frequency). This missense change has been observed in individual(s) with osteogenesis imperfecta (PMID: 30886339). ClinVar contains an entry for this variant (Variation ID: 2439282). Invitae Evidence Modeling of protein sequence and biophysical properties (such as structural, functional, and spatial information, amino acid conservation, physicochemical variation, residue mobility, and thermodynamic stability) indicates that this missense variant is expected to disrupt COL1A1 protein function with a positive predictive value of 95%. This variant disrupts the triple helix domain of COL1A1. Glycine residues within the Gly-Xaa-Yaa repeats of the triple helix domain are required for the structure and stability of fibrillar collagens (PMID: 7695699, 8218237, 19344236). In COL1A1, variants affecting these glycine residues are significantly enriched in individuals with disease (PMID: 9016532, 17078022) compared to the general population (ExAC). This variant disrupts the p.Gly221 amino acid residue in COL1A1. Other variant(s) that disrupt this residue have been observed in individuals with COL1A1-related conditions (PMID: 1737847, 27011056, 27509835), which suggests that this may be a clinically significant amino acid residue. For these reasons, this variant has been classified as Pathogenic.

Revvity Omics, Revvity
Classification: Likely pathogenic. Last evaluated: 2022-04-28. Review status: criteria provided, single submitter. Criteria: ACMG Guidelines, 2015. Collection method: clinical testing. Allele origin: germline.

Literature cited by the submitters: PubMed 30886339 (cited by Labcorp Genetics (formerly Invitae), Labcorp); PubMed 7695699 (cited by Labcorp Genetics (formerly Invitae), Labcorp); PubMed 8218237 (cited by Labcorp Genetics (formerly Invitae), Labcorp); PubMed 19344236 (cited by Labcorp Genetics (formerly Invitae), Labcorp); PubMed 9016532 (cited by Labcorp Genetics (formerly Invitae), Labcorp); PubMed 17078022 (cited by Labcorp Genetics (formerly Invitae), Labcorp); PubMed 1737847 (cited by Labcorp Genetics (formerly Invitae), Labcorp); PubMed 27011056 (cited by Labcorp Genetics (formerly Invitae), Labcorp); PubMed 27509835 (cited by Labcorp Genetics (formerly Invitae), Labcorp).